The following is an entry in ClinVar:

ClinVar aggregate classification (germline): Uncertain significance. Review status: criteria provided, multiple submitters, no conflicts (2 of 4 stars). 4 submissions from 4 submitters: Uncertain significance (4). Last evaluated 2026-03-05.

Conditions:
RAX2-related disorder. Also called: RAX2-related condition; RAX2-related disorders.

gnomAD v4.1: 10 of 1,613,186 alleles (0.00062%); highest among the groups gnomAD compares: African/African-American, 0.013%; no homozygotes.

Submissions (4):

PreventionGenetics, part of Exact Sciences
Classification: Uncertain significance for RAX2-related condition. Last evaluated: 2026-03-05. Review status: criteria provided, single submitter. Criteria: ACMG Guidelines, 2015. Collection method: clinical testing. Allele origin: germline.
Comment: The RAX2 c.76A>G variant is predicted to result in the amino acid substitution p.Lys26Glu. To our knowledge, this variant has not been reported in the literature. This variant is reported in 0.019% of alleles in individuals of African descent in gnomAD. Another variant affecting the same amino acid, c.76A>C, p.(Lys26Gln), has been reported in an individual with Stargardt disease (Supplementary Table 1, Weisschuh et al. 2024. PubMed ID: 37734845); however, this individual also had ABCA4 variants. At this time, the clinical significance of this variant is uncertain due to the absence of conclusive functional and genetic evidence.

Ambry Genetics
Classification: Uncertain significance. Last evaluated: 2024-12-03. Review status: criteria provided, single submitter. Criteria: Ambry Variant Classification Scheme 2023. Collection method: clinical testing. Allele origin: germline.

Blueprint Genetics
Classification: Uncertain significance. Last evaluated: 2024-06-17. Review status: criteria provided, single submitter. Criteria: ACMG Guidelines, 2015. Collection method: clinical testing. Allele origin: germline.

Labcorp Genetics (formerly Invitae), Labcorp
Classification: Uncertain significance. Last evaluated: 2023-07-13. Review status: criteria provided, single submitter. Criteria: Invitae Variant Classification Sherloc (09022015). Collection method: clinical testing. Allele origin: germline.
Comment: This variant is present in population databases (rs370364475, gnomAD 0.02%). In summary, the available evidence is currently insufficient to determine the role of this variant in disease. Therefore, it has been classified as a Variant of Uncertain Significance. An algorithm developed to predict the effect of missense changes on protein structure and function (PolyPhen-2) suggests that this variant is likely to be tolerated. This variant has not been reported in the literature in individuals affected with RAX2-related conditions. This sequence change replaces lysine, which is basic and polar, with glutamic acid, which is acidic and polar, at codon 26 of the RAX2 protein (p.Lys26Glu).

NM_001319074.4(RAX2):c.76A>G (p.Lys26Glu)

Gene: RAX2 (retina and anterior neural fold homeobox 2; minus strand). Cytogenetic location: 19p13.3.
Variant type: single nucleotide variant.
Coding change: c.76A>G on transcript NM_001319074.4 (MANE Select); coding-DNA position 76, A replaced by G.
Protein change: p.Lys26Glu; replaces lysine 26 with glutamic acid.
Molecular consequence: missense variant.
Genome position (GRCh38, 1-based): chr19:3,771,667, T>C on the plus strand (A>G on the coding strand, the complement: RAX2 is on the minus strand). VCF-style: chr19-3771667-T-C. GRCh37 (hg19) VCF-style: chr19-3771665-T-C.
Other names: c.76A>G (NM_032753.3); c.76A>G, p.Lys26Glu (NM_032753.4); short protein forms K26E.
Identifiers: ClinVar variation 2877056 (VCV002877056.6), dbSNP rs370364475, ClinGen allele CA9085127.